The following is an entry in ClinVar:

ClinVar aggregate classification (germline): Uncertain significance (1 of 4 stars; one submission).

Conditions:
ALMS1-related disorder. Also called: ALMS1-related condition.

Submission:

PreventionGenetics, part of Exact Sciences
Classification: Uncertain significance for ALMS1-related condition. Last evaluated: 2023-06-27. Review status: criteria provided, single submitter. Criteria: ACMG Guidelines, 2015. Collection method: clinical testing. Allele origin: germline.
Comment: The ALMS1 c.6965C>T variant is predicted to result in the amino acid substitution p.Thr2322Ile. To our knowledge, this variant has not been reported in the literature or in a large population database, indicating this variant is rare. At this time, the clinical significance of this variant is uncertain due to the absence of conclusive functional and genetic evidence.

NM_001378454.1(ALMS1):c.6962C>T (p.Pro2321Leu)

Gene: ALMS1 (ALMS1 centrosome and basal body associated protein; plus strand). Cytogenetic location: 2p13.1.
Variant type: single nucleotide variant.
Coding change: c.6962C>T on transcript NM_001378454.1 (MANE Select); coding-DNA position 6962, C replaced by T.
Protein change: p.Pro2321Leu; replaces proline 2321 with leucine.
Molecular consequence: missense variant.
Genome position (GRCh38, 1-based): chr2:73,453,489, C>T. VCF-style: chr2-73453489-C-T. GRCh37 (hg19) VCF-style: chr2-73680616-C-T.
Other names: c.6965C>T, p.Pro2322Leu (NM_015120.4); short protein forms P2321L, P2322L.
Identifiers: ClinVar variation 2634247 (VCV002634247.1), dbSNP rs1671994463, ClinGen allele CA347290273.